The following is an entry in ClinVar:

NM_001035.3(RYR2):c.12842C>T (p.Thr4281Met)

Genes: RYR2 (ryanodine receptor 2; plus strand), LOC126806068 (BRD4-independent group 4 enhancer GRCh37_chr1:237947411-237948610; plus strand). Cytogenetic location: 1q43.
Variant type: single nucleotide variant.
Coding change: c.12842C>T on transcript NM_001035.3 (MANE Select); coding-DNA position 12842, C replaced by T.
Protein change: p.Thr4281Met; replaces threonine 4281 with methionine.
Molecular consequence: missense variant.
Genome position (GRCh38, 1-based): chr1:237,784,554, C>T. VCF-style: chr1-237784554-C-T. GRCh37 (hg19) VCF-style: chr1-237947854-C-T.
Other names: p.T4281M:ACG>ATG; short protein forms T4281M.
Identifiers: ClinVar variation 43722 (VCV000043722.34), dbSNP rs201829896, ClinGen allele CA007713.

ClinVar aggregate classification (germline): Conflicting classifications of pathogenicity. Review status: criteria provided, conflicting classifications (1 of 4 stars). 11 submissions from 11 submitters: Uncertain significance (1); Likely benign (9). 1 of the submissions does not count toward it. Last evaluated 2026-02-01.

Conditions:
RYR2-related disorder. Also called: RYR2-related condition.
Cardiomyopathy (CMYO). Also called: Cardiomyopathies. Identifiers: Orphanet 167848, MedGen C0878544, MONDO:0004994, HP:0001638. Inheritance: Various modes of inheritance.
Catecholaminergic polymorphic ventricular tachycardia 1. Also called: VENTRICULAR TACHYCARDIA, STRESS-INDUCED POLYMORPHIC 1; RYR2-Related Catecholaminergic Polymorphic Ventricular Tachycardia; VENTRICULAR TACHYCARDIA, CATECHOLAMINERGIC POLYMORPHIC, 1, WITH OR WITHOUT ATRIAL DYSFUNCTION AND/OR DILATED CARDIOMYOPATHY. Identifiers: Orphanet 3286, MedGen C1631597, MONDO:0011484, OMIM 604772.

Allele frequency attached by ClinVar (database versions not stated): gnomAD exomes 0.00002 and 0.00008; ExAC 0.00009; gnomAD 0.00025 and 0.00031; ESP Exome Variant Server 0.00033; TOPMed 0.00039.
gnomAD v4.1: 81 of 1,613,800 alleles (0.005%); highest among the groups gnomAD compares: African/African-American, 0.081%; no homozygotes.

Submissions (11):

CeGaT Center for Human Genetics Tuebingen
Classification: Uncertain significance. Last evaluated: 2026-02-01. Review status: criteria provided, single submitter. Criteria: CeGaT Center For Human Genetics Tuebingen Variant Classification Criteria Version 2. Collection method: clinical testing. Allele origin: germline. Affected: yes. Observed: 1 variant allele.

Labcorp Genetics (formerly Invitae), Labcorp
Classification: Likely benign for Catecholaminergic polymorphic ventricular tachycardia 1. Last evaluated: 2026-01-14. Review status: criteria provided, single submitter. Criteria: Invitae Variant Classification Sherloc (09022015). Collection method: clinical testing. Allele origin: germline.

Women's Health and Genetics/Laboratory Corporation of America, LabCorp
Classification: Likely benign. Last evaluated: 2024-11-18. Review status: criteria provided, single submitter. Criteria: LabCorp Variant Classification Summary - May 2015. Collection method: clinical testing. Allele origin: germline.
Comment: Variant summary: RYR2 c.12842C>T (p.Thr4281Met) results in a non-conservative amino acid change in the encoded protein sequence. Four of five in-silico tools predict a benign effect of the variant on protein function. The variant allele was found at a frequency of 8.4e-05 in 248626 control chromosomes, predominantly at a frequency of 0.001 within the African or African-American subpopulation in the gnomAD database. The observed variant frequency within African or African-American control individuals in the gnomAD database is approximately 29-fold of the estimated maximal expected allele frequency for a pathogenic variant in RYR2 causing Catecholaminergic Polymorphic Ventricular Tachycardia phenotype (3.4e-05). To our knowledge, no occurrence of c.12842C>T in individuals affected with Catecholaminergic Polymorphic Ventricular Tachycardia and no experimental evidence demonstrating its impact on protein function have been reported. ClinVar contains an entry for this variant (Variation ID: 43722). Based on the evidence outlined above, the variant was classified as likely benign.

Blueprint Genetics
Classification: Likely benign. Last evaluated: 2024-05-02. Review status: criteria provided, single submitter. Criteria: ACMG Guidelines, 2015. Collection method: clinical testing. Allele origin: germline.

CHEO Genetics Diagnostic Laboratory, Children's Hospital of Eastern Ontario
Classification: Likely benign for Cardiomyopathy. Last evaluated: 2020-07-06. Review status: criteria provided, single submitter. Criteria: ACMG Guidelines, 2015. Collection method: clinical testing. Allele origin: germline.

GeneDx
Classification: Likely benign. Last evaluated: 2019-09-30. Review status: criteria provided, single submitter. Criteria: GeneDx Variant Classification Process June 2021. Collection method: clinical testing. Allele origin: germline. Affected: yes.

Color Diagnostics, LLC DBA Color Health
Classification: Likely benign for Cardiomyopathy. Last evaluated: 2019-01-03. Review status: criteria provided, single submitter. Criteria: ACMG Guidelines, 2015. Collection method: clinical testing. Allele origin: germline.

Biesecker Lab/Clinical Genomics Section, National Institutes of Health
Classification: Likely benign. Last evaluated: 2013-06-24. Review status: criteria provided, single submitter. Criteria: Ng et al. (Circ Cardiovasc Genet. 2013). Collection method: research. Allele origin: unknown. Observed: 2 variant alleles. Study: ClinSeq.
Comment: The study set was not selected for affection status in relation to any cancer. Pathogenicity categories were based on literature curation. See Pubmed ID:23861362 for details.

Medical sequencing

Laboratory for Molecular Medicine, Mass General Brigham Personalized Medicine
Classification: Likely benign. Last evaluated: 2012-08-30. Review status: criteria provided, single submitter. Criteria: LMM Criteria. Collection method: clinical testing. Allele origin: germline. Observed: 3 variant alleles.
Comment: Thr4281Met in exon 90 of RYR2: This variant is not expected to have clinical sig nificance because due to a lack of conservation across evolutionarily distant sp ecies and multiple mammals have a methionine (Met; this variant) at this positio n despite high nearby amino acid conservation. This variant has also been identi fied in 0.1% (4/3772) of African American chromosomes from a broad population by the NHLBI Exome Sequencing Project (dbSNP rs 201829896).

Molecular Diagnostic Laboratory for Inherited Cardiovascular Disease, Montreal Heart Institute
Classification: Likely benign. Review status: criteria provided, single submitter. Criteria: ACMG Guidelines, 2015. Collection method: clinical testing. Allele origin: germline. Affected: yes.

PreventionGenetics, part of Exact Sciences
Classification: Likely benign for RYR2-related condition. Last evaluated: 2022-04-29. Review status: no assertion criteria provided. Collection method: clinical testing. Allele origin: germline. Not counted in ClinVar's aggregate classification.
Comment: This variant is classified as likely benign based on ACMG/AMP sequence variant interpretation guidelines (Richards et al. 2015 PMID: 25741868, with internal and published modifications).